The following is an entry in ClinVar:

NM_000168.6(GLI3):c.2709_2763del (p.Arg905fs)

Gene: GLI3 (GLI family zinc finger 3; minus strand). Cytogenetic location: 7p14.1.
Variant type: Deletion.
Coding change: c.2709_2763del on transcript NM_000168.6 (MANE Select); coding-DNA positions 2709 to 2763, 55 bases deleted.
Protein change: p.Arg905fs; shifts the reading frame from arginine 905.
Molecular consequence: frameshift variant.
Genome position (GRCh38, 1-based): chr7:41,966,310-41,966,364, 55 bases deleted. GRCh37 (hg19): chr7:42,005,913-42,005,967.
Other names: short protein forms R905fs.
Identifiers: ClinVar variation 985260 (VCV000985260.4), dbSNP rs1787181000, ClinGen allele CA1139660047.

ClinVar aggregate classification (germline): Pathogenic (1 of 4 stars; one submission).

Conditions:
Inborn genetic diseases. Identifiers: MedGen C0950123, MeSH D030342.

Submission:

Ambry Genetics
Classification: Pathogenic for Inborn genetic diseases. Last evaluated: 2020-04-16. Review status: criteria provided, single submitter. Criteria: Ambry Variant Classification Scheme 2023. Collection method: clinical testing. Allele origin: germline.
Comment: The alteration results in a premature stop codon: _x000D_ _x000D_ The c.2709_2763del55 (p.R905Pfs*29) alteration, located in exon 15 (coding exon 14) of the GLI3 gene, results from a deletion of 55 nucleotides from position 2709 to 2763, causing a translational frameshift with a predicted alternate stop codon after 29 amino acids. Frameshifts are typically deleterious in nature; however, this frameshift occurs at the 3' terminus of GLI3, is not expected to trigger nonsense-mediated mRNA decay, and a truncated mutant protein could still be expressed (Maquat, 2004). This alteration impacts the last 676 amino acids of the protein and the exact functional impact of these altered amino acids is unknown at this time; however, additional truncating alterations downstream of this alteration have been reported in the literature as disease-causing. The alteration is not observed in population databases: _x000D_ _x000D_ Based on data from the Genome Aggregation Database (gnomAD), the GLI3 c.2709_2763del55 alteration was not observed, with coverage at this position. Based on the available evidence, this alteration is classified as pathogenic.